The following is an entry in ClinVar:

ClinVar aggregate classification (germline): Uncertain significance (1 of 4 stars; one submission).

Conditions:
Inborn genetic diseases. Identifiers: MedGen C0950123, MeSH D030342.

gnomAD v4.1: 2 of 1,613,796 alleles (0.00012%); highest among the groups gnomAD compares: Non-Finnish European, 0.00017%; no homozygotes.

Submission:

Ambry Genetics
Classification: Uncertain significance for Inborn genetic diseases. Last evaluated: 2021-07-14. Review status: criteria provided, single submitter. Criteria: Ambry Variant Classification Scheme 2023. Collection method: clinical testing. Allele origin: germline.
Comment: The p.D654N variant (also known as c.1960G>A), located in coding exon 8 of the SETX gene, results from a G to A substitution at nucleotide position 1960. The aspartic acid at codon 654 is replaced by asparagine, an amino acid with highly similar properties. This amino acid position is conserved. In addition, this alteration is predicted to be tolerated by in silico analysis. Since supporting evidence is limited at this time, the clinical significance of this alteration remains unclear.

NM_015046.7(SETX):c.1960G>A (p.Asp654Asn)

Gene: SETX (senataxin; minus strand). Cytogenetic location: 9q34.13.
Variant type: single nucleotide variant.
Coding change: c.1960G>A on transcript NM_015046.7 (MANE Select); coding-DNA position 1960, G replaced by A.
Protein change: p.Asp654Asn; replaces aspartic acid 654 with asparagine.
Molecular consequence: missense variant.
Genome position (GRCh38, 1-based): chr9:132,329,638, C>T on the plus strand (G>A on the coding strand, the complement: SETX is on the minus strand). VCF-style: chr9-132329638-C-T. GRCh37 (hg19) VCF-style: chr9-135205025-C-T.
Other names: c.1960G>A, p.Asp654Asn (NM_001351527.2, NM_001351528.2); short protein forms D654N.
Identifiers: ClinVar variation 1783430 (VCV001783430.2), dbSNP rs2539127725, ClinGen allele CA375337340.